The following is an entry in ClinVar:

NM_015450.3(POT1):c.725A>G (p.Tyr242Cys)

Gene: POT1 (protection of telomeres 1; minus strand). Cytogenetic location: 7q31.33.
Variant type: single nucleotide variant.
Coding change: c.725A>G on transcript NM_015450.3 (MANE Select); coding-DNA position 725, A replaced by G.
Protein change: p.Tyr242Cys; replaces tyrosine 242 with cysteine.
Molecular consequence: missense variant. On other transcripts: non-coding transcript variant (3).
Genome position (GRCh38, 1-based): chr7:124,853,116, T>C on the plus strand (A>G on the coding strand, the complement: POT1 is on the minus strand). VCF-style: chr7-124853116-T-C. GRCh37 (hg19) VCF-style: chr7-124493170-T-C.
Other names: c.332A>G, p.Tyr111Cys (NM_001042594.2); short protein forms Y111C, Y242C.
Identifiers: ClinVar variation 844868 (VCV000844868.13), dbSNP rs1188122279, ClinGen allele CA369055720.

ClinVar aggregate classification (germline): Uncertain significance. Review status: criteria provided, multiple submitters, no conflicts (2 of 4 stars). 3 submissions from 3 submitters: Uncertain significance (3). Last evaluated 2025-11-03.

Conditions:
Tumor predisposition syndrome 3 (TPDS3). Also called: Glioma susceptibility 9; LONG TELOMERE SYNDROME, POT1-RELATED; POT1 Tumor Predisposition; Melanoma, cutaneous malignant, susceptibility to, 10. Identifiers: Orphanet 618, MedGen C4014476, MONDO:0014368, OMIM 615848.
Hereditary cancer-predisposing syndrome. Also called: Tumor predisposition; Hereditary Cancer Syndrome; Hereditary neoplastic syndrome; Neoplastic Syndromes, Hereditary. Identifiers: Orphanet 140162, MedGen C0027672, MeSH D009386, MONDO:0015356.

Allele frequency attached by ClinVar (database versions not stated): gnomAD exomes below 0.00001; TOPMed below 0.00001; gnomAD 0.00001.
gnomAD v4.1: 2 of 1,596,522 alleles (0.00013%); highest among the groups gnomAD compares: Non-Finnish European, 0.00017%; no homozygotes.

Submissions (3):

Labcorp Genetics (formerly Invitae), Labcorp
Classification: Uncertain significance for Tumor predisposition syndrome 3. Last evaluated: 2025-11-03. Review status: criteria provided, single submitter. Criteria: Invitae Variant Classification Sherloc (09022015). Collection method: clinical testing. Allele origin: germline.
Comment: This sequence change replaces tyrosine, which is neutral and polar, with cysteine, which is neutral and slightly polar, at codon 242 of the POT1 protein (p.Tyr242Cys). This variant is not present in population databases (gnomAD no frequency). This variant has not been reported in the literature in individuals affected with POT1-related conditions. ClinVar contains an entry for this variant (Variation ID: 844868). Invitae Evidence Modeling of protein sequence and biophysical properties (such as structural, functional, and spatial information, amino acid conservation, physicochemical variation, residue mobility, and thermodynamic stability) indicates that this missense variant is not expected to disrupt POT1 protein function with a negative predictive value of 80%. In summary, the available evidence is currently insufficient to determine the role of this variant in disease. Therefore, it has been classified as a Variant of Uncertain Significance.

Ambry Genetics
Classification: Uncertain significance for Hereditary cancer-predisposing syndrome. Last evaluated: 2025-10-01. Review status: criteria provided, single submitter. Criteria: Ambry Variant Classification Scheme 2023. Collection method: clinical testing. Allele origin: germline.
Comment: The p.Y242C variant (also known as c.725A>G), located in coding exon 6 of the POT1 gene, results from an A to G substitution at nucleotide position 725. The tyrosine at codon 242 is replaced by cysteine, an amino acid with highly dissimilar properties. This amino acid position is well conserved in available vertebrate species. In addition, the in silico prediction for this alteration is inconclusive. Since supporting evidence is limited at this time, the clinical significance of this alteration remains unclear.

GeneDx
Classification: Uncertain significance. Last evaluated: 2023-07-26. Review status: criteria provided, single submitter. Criteria: GeneDx Variant Classification Process June 2021. Collection method: clinical testing. Allele origin: germline. Affected: yes.
Comment: Not observed at significant frequency in large population cohorts (gnomAD); In silico analysis supports that this missense variant has a deleterious effect on protein structure/function; Has not been previously published as pathogenic or benign to our knowledge; This variant is associated with the following publications: (PMID: 28393830)